The following is an entry in ClinVar:

NM_001375808.2(LPIN2):c.601A>G (p.Asn201Asp)

Gene: LPIN2 (lipin 2; minus strand). Cytogenetic location: 18p11.31.
Variant type: single nucleotide variant.
Coding change: c.601A>G on transcript NM_001375808.2 (MANE Select); coding-DNA position 601, A replaced by G.
Protein change: p.Asn201Asp; replaces asparagine 201 with aspartic acid.
Molecular consequence: missense variant.
Genome position (GRCh38, 1-based): chr18:2,940,702, T>C on the plus strand (A>G on the coding strand, the complement: LPIN2 is on the minus strand). VCF-style: chr18-2940702-T-C. GRCh37 (hg19) VCF-style: chr18-2940700-T-C.
Other names: c.601A>G, p.Asn201Asp (NM_001375809.1, NM_014646.2); short protein forms N201D.
Identifiers: ClinVar variation 889672 (VCV000889672.8), dbSNP rs746938405, ClinGen allele CA8873343.
Genomic context (GRCh38, chr18:2,940,702, plus strand): 5'-AATGATCCCCAGAATGGAAGAGCAAAGGCTCTTTACATTCTTCTTCTTTCAAGGAAGCAT[T>C]TGAAGATCCTCTGTGAAGGAGAAACCAAAGAAAGGCAGGAACGATGACATTCTTGTCAGC-3'
Protein context (NP_001362737.1, residues 191-211): KGAQAARGSS[Asn201Asp]ASLKEEECKE

ClinVar aggregate classification (germline): Uncertain significance. Review status: criteria provided, multiple submitters, no conflicts (2 of 4 stars). 2 submissions from 2 submitters: Uncertain significance (2). Last evaluated 2022-08-16.

Conditions:
Majeed syndrome (MJDS). Also called: CHRONIC RECURRENT MULTIFOCAL OSTEOMYELITIS 1, WITH CONGENITAL DYSERYTHROPOIETIC ANEMIA, WITH OR WITHOUT NEUTROPHILIC DERMATOSIS; LPIN2-Related Majeed Syndrome. Identifiers: Orphanet 77297, MedGen C1864997, MONDO:0012316, OMIM 609628.

Allele frequency attached by ClinVar (database versions not stated): ExAC 0.00003.
gnomAD v4.1: 5 of 1,606,472 alleles (0.00031%); highest among the groups gnomAD compares: African/African-American, 0.0013%; no homozygotes.

Submissions (2):

Labcorp Genetics (formerly Invitae), Labcorp
Classification: Uncertain significance for Majeed syndrome. Last evaluated: 2022-08-16. Review status: criteria provided, single submitter. Criteria: Invitae Variant Classification Sherloc (09022015). Collection method: clinical testing. Allele origin: germline.
Comment: This sequence change replaces asparagine, which is neutral and polar, with aspartic acid, which is acidic and polar, at codon 201 of the LPIN2 protein (p.Asn201Asp). This variant is present in population databases (rs746938405, gnomAD 0.007%). This variant has not been reported in the literature in individuals affected with LPIN2-related conditions. ClinVar contains an entry for this variant (Variation ID: 889672). Algorithms developed to predict the effect of missense changes on protein structure and function (SIFT, PolyPhen-2, Align-GVGD) all suggest that this variant is likely to be tolerated. In summary, the available evidence is currently insufficient to determine the role of this variant in disease. Therefore, it has been classified as a Variant of Uncertain Significance.

Illumina Laboratory Services, Illumina
Classification: Uncertain significance for Majeed syndrome. Last evaluated: 2018-01-13. Review status: criteria provided, single submitter. Criteria: ICSL Variant Classification Criteria 13 December 2019. Collection method: clinical testing. Allele origin: germline.